The following is an entry in ClinVar:

ClinVar aggregate classification (germline): Pathogenic (1 of 4 stars; one submission).

Conditions:
Joubert syndrome. Also called: CEREBELLOPARENCHYMAL DISORDER IV; JOUBERT-BOLTSHAUSER SYNDROME; Familial aplasia of the vermis. Identifiers: Orphanet 475, MedGen C5979921, MONDO:0018772.
Nephronophthisis. Also called: Juvenile Nephronophthisis. Identifiers: Orphanet 655, MedGen C0687120, MONDO:0019005, HP:0000090.
Meckel-Gruber syndrome. Also called: DYSENCEPHALIA SPLANCHNOCYSTICA; GRUBER SYNDROME; Dysencephalia splachnocystica. Identifiers: Orphanet 564, MedGen C0265215, MONDO:0018921.

Submission:

Labcorp Genetics (formerly Invitae), Labcorp
Classification: Pathogenic for Joubert syndrome; Meckel-Gruber syndrome; Nephronophthisis. Last evaluated: 2024-08-04. Review status: criteria provided, single submitter. Criteria: Invitae Variant Classification Sherloc (09022015). Collection method: clinical testing. Allele origin: germline.
Comment: This sequence change creates a premature translational stop signal (p.Glu2329*) in the CEP290 gene. It is expected to result in an absent or disrupted protein product. Loss-of-function variants in CEP290 are known to be pathogenic (PMID: 16909394, 17345604, 20690115). This variant is not present in population databases (gnomAD no frequency). This variant has not been reported in the literature in individuals affected with CEP290-related conditions. Algorithms developed to predict the effect of sequence changes on RNA splicing suggest that this variant may disrupt the consensus splice site. For these reasons, this variant has been classified as Pathogenic.

Literature cited by the submitters: PubMed 16909394; PubMed 17345604; PubMed 20690115.

NM_025114.4(CEP290):c.6985G>T (p.Glu2329Ter)

Gene: CEP290 (centrosomal protein 290; minus strand). Cytogenetic location: 12q21.32.
Variant type: single nucleotide variant.
Coding change: c.6985G>T on transcript NM_025114.4 (MANE Select); coding-DNA position 6985, G replaced by T.
Protein change: p.Glu2329Ter; replaces glutamic acid 2329 with a stop codon.
Molecular consequence: nonsense.
Genome position (GRCh38, 1-based): chr12:88,054,389, C>A on the plus strand (G>T on the coding strand, the complement: CEP290 is on the minus strand). VCF-style: chr12-88054389-C-A. GRCh37 (hg19) VCF-style: chr12-88448166-C-A.
Other names: short protein forms E2329*.
Identifiers: ClinVar variation 3757534 (VCV003757534.2).